The following is an entry in ClinVar:

NM_005228.5(EGFR):c.566A>C (p.Lys189Thr)

Gene: EGFR (epidermal growth factor receptor; plus strand). Cytogenetic location: 7p11.2.
Variant type: single nucleotide variant.
Coding change: c.566A>C on transcript NM_005228.5 (MANE Select); coding-DNA position 566, A replaced by C.
Protein change: p.Lys189Thr; replaces lysine 189 with threonine.
Molecular consequence: missense variant. On other transcripts: intron variant (1).
Genome position (GRCh38, 1-based): chr7:55,151,300, A>C. VCF-style: chr7-55151300-A-C. GRCh37 (hg19) VCF-style: chr7-55218993-A-C.
Other names: c.431A>C, p.Lys144Thr (NM_001346897.2, NM_001346899.2); c.566A>C, p.Lys189Thr (NM_001346898.2, NM_201282.2, NM_201283.2 and 1 more transcripts); c.407A>C, p.Lys136Thr (NM_001346900.2); c.89-4530A>C (NM_001346941.2); short protein forms K136T, K144T, K189T.
Identifiers: ClinVar variation 4016811 (VCV004016811.1).

ClinVar aggregate classification (germline): Uncertain significance (1 of 4 stars; one submission).

Conditions:
Hereditary cancer-predisposing syndrome. Also called: Tumor predisposition; Hereditary neoplastic syndrome; Neoplastic Syndromes, Hereditary; Hereditary Cancer Syndrome. Identifiers: Orphanet 140162, MedGen C0027672, MeSH D009386, MONDO:0015356.

Submission:

Ambry Genetics
Classification: Uncertain significance for Hereditary cancer-predisposing syndrome. Last evaluated: 2025-06-09. Review status: criteria provided, single submitter. Criteria: Ambry Variant Classification Scheme 2023. Collection method: clinical testing. Allele origin: germline.
Comment: The p.K189T variant (also known as c.566A>C), located in coding exon 5 of the EGFR gene, results from an A to C substitution at nucleotide position 566. The lysine at codon 189 is replaced by threonine, an amino acid with similar properties. This amino acid position is conserved. In addition, this alteration is predicted to be tolerated by in silico analysis. Based on the available evidence, the clinical significance of this variant remains unclear.